The following is an entry in ClinVar:

ClinVar aggregate classification (germline): Benign (0 of 4 stars; one submission).

Conditions:
SLC5A9-related disorder. Also called: SLC5A9-related condition.

Allele frequency attached by ClinVar (database versions not stated): ExAC 0.00507; 1000 Genomes Project 0.01358; 1000 Genomes Project 30x 0.01562; TOPMed 0.01741; ESP Exome Variant Server 0.01753.
gnomAD v4.1: 4,831 of 1,614,148 alleles (0.3%); highest among the groups gnomAD compares: African/African-American, 5.3%; 104 homozygotes.

Submission:

PreventionGenetics, part of Exact Sciences
Classification: Benign for SLC5A9-related condition. Last evaluated: 2024-01-05. Review status: no assertion criteria provided. Collection method: clinical testing. Allele origin: germline.
Comment: This variant is classified as benign based on ACMG/AMP sequence variant interpretation guidelines (Richards et al. 2015 PMID: 25741868, with internal and published modifications).

NM_001011547.3(SLC5A9):c.671C>T (p.Ala224Val)

Gene: SLC5A9 (solute carrier family 5 member 9; plus strand). Cytogenetic location: 1p33.
Variant type: single nucleotide variant.
Coding change: c.671C>T on transcript NM_001011547.3 (MANE Select); coding-DNA position 671, C replaced by T.
Protein change: p.Ala224Val; replaces alanine 224 with valine.
Molecular consequence: missense variant.
Genome position (GRCh38, 1-based): chr1:48,231,605, C>T. VCF-style: chr1-48231605-C-T. GRCh37 (hg19) VCF-style: chr1-48697277-C-T.
Other names: c.746C>T, p.Ala249Val (NM_001135181.2); short protein forms A224V, A249V.
Identifiers: ClinVar variation 3043633 (VCV003043633.2), dbSNP rs61730945, ClinGen allele CA843634.